The following is an entry in ClinVar:

NM_002471.4(MYH6):c.1581+3G>A

Gene: MYH6 (myosin heavy chain 6; minus strand). Cytogenetic location: 14q11.2.
Variant type: single nucleotide variant.
Coding change: c.1581+3G>A on transcript NM_002471.4 (MANE Select); 3 bases into the intron after coding-DNA position 1581, G replaced by A.
Molecular consequence: intron variant.
Genome position (GRCh38, 1-based): chr14:23,400,253, C>T on the plus strand (G>A on the coding strand, the complement: MYH6 is on the minus strand). VCF-style: chr14-23400253-C-T. GRCh37 (hg19) VCF-style: chr14-23869462-C-T.
Identifiers: ClinVar variation 3400824 (VCV003400824.1).

ClinVar aggregate classification (germline): Uncertain significance (1 of 4 stars; one submission).

Conditions:
Cardiovascular phenotype. Identifiers: MedGen CN230736.

gnomAD v4.1: 7 of 1,614,226 alleles (0.00043%); highest among the groups gnomAD compares: Non-Finnish European, 0.00059%; no homozygotes.

Submission:

Ambry Genetics
Classification: Uncertain significance for Cardiovascular phenotype. Last evaluated: 2024-09-27. Review status: criteria provided, single submitter. Criteria: Ambry Variant Classification Scheme 2023. Collection method: clinical testing. Allele origin: germline.
Comment: The c.1581+3G>A intronic variant results from a G to A substitution 3 nucleotides after coding exon 12 in the MYH6 gene. This nucleotide position is well conserved in available vertebrate species. In silico splice site analysis predicts that this alteration will not have any significant effect on splicing. Based on the available evidence, the clinical significance of this variant remains unclear.